The following is an entry in ClinVar:

ClinVar aggregate classification (germline): Likely pathogenic (1 of 4 stars; one submission).

Conditions:
Usher syndrome type 2C. Also called: Usher syndrome, type 2B; USHER SYNDROME, TYPE IIC. Identifiers: Orphanet 231178, Orphanet 886, MedGen C2931213, MONDO:0011558, OMIM 605472.

Submission:

Victorian Clinical Genetics Services, Murdoch Childrens Research Institute
Classification: Likely pathogenic for Usher syndrome type 2C. Last evaluated: 2023-07-17. Review status: criteria provided, single submitter. Criteria: ACMG Guidelines, 2015. Collection method: clinical testing. Allele origin: germline. Inheritance: Autosomal recessive inheritance. Affected: yes.
Comment: Based on the classification scheme VCGS_Germline_v1.3.4, this variant is classified as Likely pathogenic. Following criteria are met: 0102 - Loss of function is a known mechanism of disease in this gene and is associated with Usher syndrome, type 2C (MIM#605472). (I) 0106 - This gene is associated with autosomal recessive disease. The association between monoallelic variants and familial febrile seizures (MIM#604352) has not been established. (I) 0211 - Canonical splice site variant without proven consequence on splicing (no functional evidence available). (SP) 0251 - This variant is heterozygous. (I) 0301 - Variant is absent from gnomAD (both v2 and v3). (SP) 0505 - Abnormal splicing is predicted by in silico tools and affected nucleotide is highly conserved. (SP) 0705 - No comparable splice variants have previous evidence for pathogenicity. (I) 0807 - This variant has no previous evidence of pathogenicity. (I) 0905 - No published segregation evidence has been identified for this variant. (I) 1007 - No published functional evidence has been identified for this variant. (I) 1208 - Inheritance information for this variant is not currently available in this individual. (I) Legend: (SP) - Supporting pathogenic, (I) - Information, (SB) - Supporting benign

NM_032119.4(ADGRV1):c.8731-2A>G

Gene: ADGRV1 (adhesion G protein-coupled receptor V1; plus strand). Cytogenetic location: 5q14.3.
Variant type: single nucleotide variant.
Coding change: c.8731-2A>G on transcript NM_032119.4 (MANE Select); the canonical splice acceptor site of the intron before coding-DNA position 8731, A replaced by G.
Molecular consequence: splice acceptor variant.
Genome position (GRCh38, 1-based): chr5:90,708,814, A>G. VCF-style: chr5-90708814-A-G. GRCh37 (hg19) VCF-style: chr5-90004631-A-G.
Identifiers: ClinVar variation 3254624 (VCV003254624.1), dbSNP rs2531119855.